The following is an entry in ClinVar:

ClinVar aggregate classification (germline): Uncertain significance. Review status: criteria provided, multiple submitters, no conflicts (2 of 4 stars). 4 submissions from 4 submitters: Uncertain significance (4). Last evaluated 2024-12-10.

Conditions:
Charcot-Marie-Tooth disease. Also called: Charcot-Marie-Tooth Neuropathy; Charcot-Marie-Tooth Hereditary Neuropathy. Identifiers: Orphanet 166, MedGen C0007959, MONDO:0015626.
Charcot-Marie-Tooth disease type 4. Also called: Charcot-Marie-Tooth, Type 4; Charcot-Marie-Tooth disease, type IV. Identifiers: Orphanet 64749, MedGen C4082197, MONDO:0018995.

Allele frequency attached by ClinVar (database versions not stated): gnomAD exomes 0.00001 and 0.00002; ExAC 0.00002; gnomAD 0.00003 and 0.00004; TOPMed 0.00007; ESP Exome Variant Server 0.00008.
gnomAD v4.1: 12 of 1,613,460 alleles (0.00074%); highest among the groups gnomAD compares: African/African-American, 0.012%; no homozygotes.

Submissions (4):

Women's Health and Genetics/Laboratory Corporation of America, LabCorp
Classification: Uncertain significance. Last evaluated: 2024-12-10. Review status: criteria provided, single submitter. Criteria: LabCorp Variant Classification Summary - May 2015. Collection method: clinical testing. Allele origin: germline.
Comment: Variant summary: PRX c.4333A>G (p.Thr1445Ala) results in a non-conservative amino acid change in the encoded protein sequence. Four of five in-silico tools predict a benign effect of the variant on protein function. The variant allele was found at a frequency of 2e-05 in 250292 control chromosomes. The available data on variant occurrences in the general population are insufficient to allow any conclusion about variant significance. c.4333A>G has been reported in the literature in a cohort of individuals suspected of Charcot-Marie-Tooth disease (Volodarsky_2021). This report does not provide unequivocal conclusions about association of the variant with Charcot-Marie-Tooth disease type 4F. To our knowledge, no experimental evidence demonstrating an impact on protein function has been reported. The following publication has been ascertained in the context of this evaluation (PMID: 32376792). ClinVar contains an entry for this variant (Variation ID: 476975). Based on the evidence outlined above, the variant was classified as uncertain significance.

Athena Diagnostics
Classification: Uncertain significance. Last evaluated: 2024-05-23. Review status: criteria provided, single submitter. Criteria: Athena Diagnostics Criteria. Collection method: clinical testing. Allele origin: unknown.
Comment: Available data are insufficient to determine the clinical significance of the variant at this time. The frequency of this variant in the general population is uninformative in assessment of its pathogenicity. Polyphen and MutationTaster predict this amino acid change may be benign.

Labcorp Genetics (formerly Invitae), Labcorp
Classification: Uncertain significance for Charcot-Marie-Tooth disease type 4. Last evaluated: 2022-02-18. Review status: criteria provided, single submitter. Criteria: Invitae Variant Classification Sherloc (09022015). Collection method: clinical testing. Allele origin: germline.
Comment: In summary, the available evidence is currently insufficient to determine the role of this variant in disease. Therefore, it has been classified as a Variant of Uncertain Significance. Algorithms developed to predict the effect of missense changes on protein structure and function output the following: SIFT: "Tolerated"; PolyPhen-2: "Benign"; Align-GVGD: "Class C0". The alanine amino acid residue is found in multiple mammalian species, which suggests that this missense change does not adversely affect protein function. This sequence change replaces threonine, which is neutral and polar, with alanine, which is neutral and non-polar, at codon 1445 of the PRX protein (p.Thr1445Ala). This variant is present in population databases (rs368067072, gnomAD 0.02%). This missense change has been observed in individual(s) with Charcot-Marie-Tooth disease (PMID: 32376792). ClinVar contains an entry for this variant (Variation ID: 476975).

Molecular Genetics Laboratory, London Health Sciences Centre
Classification: Uncertain significance for Charcot-Marie-Tooth disease. Review status: criteria provided, single submitter. Criteria: ACMG Guidelines, 2015. Collection method: clinical testing. Allele origin: germline. Affected: yes.

Literature cited by the submitters: PubMed 32376792 (cited by 3 submitters).

NM_181882.3(PRX):c.4333A>G (p.Thr1445Ala)

Gene: PRX (periaxin; minus strand). Cytogenetic location: 19q13.2.
Variant type: single nucleotide variant.
Coding change: c.4333A>G on transcript NM_181882.3 (MANE Select); coding-DNA position 4333, A replaced by G.
Protein change: p.Thr1445Ala; replaces threonine 1445 with alanine.
Molecular consequence: missense variant. On other transcripts: 3 prime UTR variant (1).
Genome position (GRCh38, 1-based): chr19:40,394,019, T>C on the plus strand (A>G on the coding strand, the complement: PRX is on the minus strand). VCF-style: chr19-40394019-T-C. GRCh37 (hg19) VCF-style: chr19-40899926-T-C.
Other names: c.*4538A>G (NM_020956.2); short protein forms T1445A.
Identifiers: ClinVar variation 476975 (VCV000476975.12), dbSNP rs368067072, ClinGen allele CA9443637.